The following is an entry in ClinVar:

ClinVar aggregate classification (germline): Uncertain significance (1 of 4 stars; one submission).

gnomAD v4.1: 48 of 1,547,502 alleles (0.0031%); highest among the groups gnomAD compares: African/African-American, 0.012%; no homozygotes.

Submission:

GeneDx
Classification: Uncertain significance. Last evaluated: 2025-02-25. Review status: criteria provided, single submitter. Criteria: GeneDx Variant Classification Process June 2021. Collection method: clinical testing. Allele origin: germline. Affected: yes.
Comment: Not observed at significant frequency in large population cohorts (gnomAD); In silico analysis supports that this missense variant has a deleterious effect on protein structure/function; Has not been previously published as pathogenic or benign to our knowledge

NM_001145026.2(PTPRQ):c.3230C>T (p.Pro1077Leu)

Gene: PTPRQ (protein tyrosine phosphatase receptor type Q; plus strand). Cytogenetic location: 12q21.31.
Variant type: single nucleotide variant.
Coding change: c.3230C>T on transcript NM_001145026.2 (MANE Select); coding-DNA position 3230, C replaced by T.
Protein change: p.Pro1077Leu; replaces proline 1077 with leucine.
Molecular consequence: missense variant.
Genome position (GRCh38, 1-based): chr12:80,541,630, C>T. VCF-style: chr12-80541630-C-T. GRCh37 (hg19) VCF-style: chr12-80935409-C-T.
Other names: short protein forms P1077L.
Identifiers: ClinVar variation 4076628 (VCV004076628.1).